The following is an entry in ClinVar:

NC_000009.12:g.(?_114402754)_(114504801_?)dup

Gene: WHRN (whirlin; minus strand). Cytogenetic location: 9q32.
Variant type: Duplication.
Identifiers: ClinVar variation 930022 (VCV000930022.4).

ClinVar aggregate classification (germline): Uncertain significance (1 of 4 stars; one submission).

Submission:

Laboratory for Molecular Medicine, Mass General Brigham Personalized Medicine
Classification: Uncertain significance. Last evaluated: 2020-02-28. Review status: criteria provided, single submitter. Criteria: LMM Criteria. Collection method: clinical testing. Allele origin: germline. Observed: 1 variant allele.
Comment: The WHRN gene is associated with autosomal recessive hearing loss and with autosomal recessive Usher syndrome, with the mechanism of disease primarily loss-of-function. There is no evidence that triplosensitivity is a mechanism for disease. Several large duplications encompassing WHRN, as well as neighboring genes, have been reported in the Database of Genomic Variants, which is a repository for structural variation (DGV ID numbers gssvG40319, dgv7706n100, dgv12859n54, dgv948n27). These duplications were detected on microarrays and therefore the approximate minimum and maximum breakpoints were identified. In contrast, the duplication detected by this test is known to encompass at least the WHRN gene, but due to limitations of the assay, the size and break points of the duplication, and whether neighboring genes are impacted, cannot be determined. In summary, while a duplication of the entire coding region of WHRN is not expected to cause hearing loss or Usher syndrome, due to the uncertainty regarding the size of this duplication, its clinical significance is uncertain. ACMG/AMP Criteria Applied: None.